The following is an entry in ClinVar:

ClinVar aggregate classification (germline): Uncertain significance. Review status: criteria provided, multiple submitters, no conflicts (2 of 4 stars). 2 submissions from 2 submitters: Uncertain significance (2). Last evaluated 2026-01-03.

Conditions:
Inborn genetic diseases. Identifiers: MedGen C0950123, MeSH D030342.

Allele frequency attached by ClinVar (database versions not stated): gnomAD exomes below 0.00001.
gnomAD v4.1: 1 of 1,614,082 alleles (0.000062%); highest among the groups gnomAD compares: Non-Finnish European, 0.000085%; no homozygotes.

Submissions (2):

Ambry Genetics
Classification: Uncertain significance for Inborn genetic diseases. Last evaluated: 2026-01-03. Review status: criteria provided, single submitter. Criteria: Ambry Variant Classification Scheme 2023. Collection method: clinical testing. Allele origin: germline.
Comment: The p.I604T variant (also known as c.1811T>C), located in coding exon 20 of the FANCA gene, results from a T to C substitution at nucleotide position 1811. The isoleucine at codon 604 is replaced by threonine, an amino acid with similar properties. This amino acid position is conserved. In addition, this alteration is predicted to be deleterious by in silico analysis. Based on the available evidence, the clinical significance of this variant remains unclear.

Genetic Services Laboratory, University of Chicago
Classification: Uncertain significance. Last evaluated: 2015-11-10. Review status: criteria provided, single submitter. Criteria: ACMG Guidelines, 2015. Collection method: clinical testing. Allele origin: germline. Affected: no.

NM_000135.4(FANCA):c.1811T>C (p.Ile604Thr)

Gene: FANCA (FA complementation group A; minus strand). Cytogenetic location: 16q24.3.
Variant type: single nucleotide variant.
Coding change: c.1811T>C on transcript NM_000135.4 (MANE Select); coding-DNA position 1811, T replaced by C.
Protein change: p.Ile604Thr; replaces isoleucine 604 with threonine.
Molecular consequence: missense variant.
Genome position (GRCh38, 1-based): chr16:89,778,816, A>G on the plus strand (T>C on the coding strand, the complement: FANCA is on the minus strand). VCF-style: chr16-89778816-A-G. GRCh37 (hg19) VCF-style: chr16-89845224-A-G.
Other names: c.1811T>C (LRG_495t1); c.1811T>C, p.Ile604Thr (NM_001286167.3); short protein forms I604T.
Identifiers: ClinVar variation 435131 (VCV000435131.7), dbSNP rs1555551989, ClinGen allele CA397454428.